The following is an entry in ClinVar:

ClinVar aggregate classification (germline): Uncertain significance (1 of 4 stars; one submission).

Submission:

Labcorp Genetics (formerly Invitae), Labcorp
Classification: Uncertain significance. Last evaluated: 2024-11-04. Review status: criteria provided, single submitter. Criteria: Invitae Variant Classification Sherloc (09022015). Collection method: clinical testing. Allele origin: germline.
Comment: This sequence change replaces asparagine, which is neutral and polar, with serine, which is neutral and polar, at codon 773 of the HERC1 protein (p.Asn773Ser). This variant is not present in population databases (gnomAD no frequency). This variant has not been reported in the literature in individuals affected with HERC1-related conditions. Invitae Evidence Modeling of protein sequence and biophysical properties (such as structural, functional, and spatial information, amino acid conservation, physicochemical variation, residue mobility, and thermodynamic stability) indicates that this missense variant is not expected to disrupt HERC1 protein function with a negative predictive value of 80%. In summary, the available evidence is currently insufficient to determine the role of this variant in disease. Therefore, it has been classified as a Variant of Uncertain Significance.

NM_003922.4(HERC1):c.2318A>G (p.Asn773Ser)

Gene: HERC1 (HECT and RLD domain containing E3 ubiquitin protein ligase family member 1; minus strand). Cytogenetic location: 15q22.31.
Variant type: single nucleotide variant.
Coding change: c.2318A>G on transcript NM_003922.4 (MANE Select); coding-DNA position 2318, A replaced by G.
Protein change: p.Asn773Ser; replaces asparagine 773 with serine.
Molecular consequence: missense variant.
Genome position (GRCh38, 1-based): chr15:63,747,760, T>C on the plus strand (A>G on the coding strand, the complement: HERC1 is on the minus strand). VCF-style: chr15-63747760-T-C. GRCh37 (hg19) VCF-style: chr15-64039959-T-C.
Other names: short protein forms N773S.
Identifiers: ClinVar variation 3664078 (VCV003664078.2).